The following is an entry in ClinVar:

NM_003242.6(TGFBR2):c.7C>T (p.Arg3Trp)

Gene: TGFBR2 (transforming growth factor beta receptor 2; plus strand). Cytogenetic location: 3p24.1.
Variant type: single nucleotide variant.
Coding change: c.7C>T on transcript NM_003242.6 (MANE Select); coding-DNA position 7, C replaced by T.
Protein change: p.Arg3Trp; replaces arginine 3 with tryptophan.
Molecular consequence: missense variant.
Genome position (GRCh38, 1-based): chr3:30,606,890, C>T. VCF-style: chr3-30606890-C-T. GRCh37 (hg19) VCF-style: chr3-30648382-C-T.
Other names: c.7C>T (NM_003242.5); c.7C>T, p.Arg3Trp (NM_001024847.3, NM_001407126.1, NM_001407127.1 and 4 more transcripts); c.-277C>T (NM_001407133.1); c.-155C>T (NM_001407134.1); c.-202C>T (NM_001407135.1); c.-287C>T (NM_001407136.1); short protein forms R3W.
Identifiers: ClinVar variation 2431494 (VCV002431494.6), dbSNP rs2470443423, ClinGen allele CA351830468.
Genomic context (GRCh38, chr3:30,606,890, plus strand): 5'-AGGCGCCGTCCGCTGCGCTGGGGGCTCGGTCTATGACGAGCAGCGGGGTCTGCCATGGGT[C>T]GGGGGCTGCTCAGGGGCCTGTGGCCGCTGCACATCGTCCTGTGGACGCGTATCGCCAGCA-3'
Protein context (NP_003233.4, residues 1-13): MG[Arg3Trp]GLLRGLWPLH

ClinVar aggregate classification (germline): Uncertain significance. Review status: criteria provided, multiple submitters, no conflicts (2 of 4 stars). 5 submissions from 5 submitters: Uncertain significance (5). Last evaluated 2026-03-26.

Conditions:
Familial thoracic aortic aneurysm and aortic dissection (TAAD). Also called: Thoracic aortic aneurysms and dissections. Identifiers: Orphanet 91387, MedGen C4707243, MONDO:0019625.
Loeys-Dietz syndrome 2 (LDS2). Also called: AORTIC ANEURYSM, FAMILIAL THORACIC 3; MARFAN SYNDROME, TYPE II; Marfan syndrome, type 2 (formerly); Marfan Syndrome type 2; Marfan like connective tissue disorder; MFS 2. Identifiers: Orphanet 284973, Orphanet 558, MedGen C2674574, MONDO:0012427, OMIM 610168.

gnomAD v4.1: 1 of 1,570,926 alleles (0.000064%); no homozygotes.

Submissions (5):

Dasa
Classification: Uncertain significance. Last evaluated: 2026-03-26. Review status: criteria provided, single submitter. Criteria: DASA Assertion Criteria. Collection method: clinical testing. Allele origin: germline.
Comment: NM_003242.6(TGFBR2):c.7C>T (p.Arg3Trp) is a missense variant that results in the substitution of arginine with tryptophan. This variant is rare in population databases. The currently available literature and clinical evidence are not sufficient to establish a definitive association between this variant and the reported condition. Therefore, this variant is classified as a variant of uncertain significance.

Labcorp Genetics (formerly Invitae), Labcorp
Classification: Uncertain significance for Familial thoracic aortic aneurysm and aortic dissection. Last evaluated: 2026-01-21. Review status: criteria provided, single submitter. Criteria: Invitae Variant Classification Sherloc (09022015). Collection method: clinical testing. Allele origin: germline.
Comment: This sequence change replaces arginine, which is basic and polar, with tryptophan, which is neutral and slightly polar, at codon 3 of the TGFBR2 protein (p.Arg3Trp). This variant is not present in population databases (gnomAD no frequency). This variant has not been reported in the literature in individuals affected with TGFBR2-related conditions. ClinVar contains an entry for this variant (Variation ID: 2431494). Invitae Evidence Modeling of protein sequence and biophysical properties (such as structural, functional, and spatial information, amino acid conservation, physicochemical variation, residue mobility, and thermodynamic stability) indicates that this missense variant is not expected to disrupt TGFBR2 protein function with a negative predictive value of 95%. In summary, the available evidence is currently insufficient to determine the role of this variant in disease. Therefore, it has been classified as a Variant of Uncertain Significance.

GeneDx
Classification: Uncertain significance. Last evaluated: 2025-01-23. Review status: criteria provided, single submitter. Criteria: GeneDx Variant Classification Process June 2021. Collection method: clinical testing. Allele origin: germline. Affected: yes.
Comment: Not observed at significant frequency in large population cohorts (gnomAD); In silico analysis indicates that this missense variant does not alter protein structure/function; Has not been previously published as pathogenic or benign to our knowledge

All of Us Research Program, National Institutes of Health
Classification: Uncertain significance for Loeys-Dietz syndrome 2. Last evaluated: 2023-04-10. Review status: criteria provided, single submitter. Criteria: ACMG Guidelines, 2015. Collection method: clinical testing. Allele origin: germline. Inheritance: Autosomal dominant inheritance. Observed: 1 variant allele, 1 heterozygote.
Comment: This missense variant replaces arginine with tryptophan at codon 3 of the TGFBR2 protein. Computational prediction suggests that this variant may not impact protein structure and function (internally defined REVEL score threshold <= 0.5, PMID: 27666373). To our knowledge, functional studies have not been reported for this variant. This variant has not been reported in individuals affected with TGFBR2-related disorders in the literature. This variant has not been identified in the general population by the Genome Aggregation Database (gnomAD). The available evidence is insufficient to determine the role of this variant in disease conclusively. Therefore, this variant is classified as a Variant of Uncertain Significance.

This study involves interpretation of variants in research participants for the purpose of population health screening. Participant phenotype was not available at the time of variant classification. Additional details can be found in publication PMID: 35346344, PMCID: PMC8962531

Laboratorio de Genetica e Diagnostico Molecular, Hospital Israelita Albert Einstein
Classification: Uncertain significance for Loeys-Dietz syndrome 2. Last evaluated: 2022-11-25. Review status: criteria provided, single submitter. Criteria: ACMG Guidelines, 2015. Collection method: clinical testing. Allele origin: germline. Affected: yes. Observed: 1 variant allele.
Comment: ACMG classification criteria: PM2 moderated